The following is an entry in ClinVar:

NM_005751.5(AKAP9):c.6259A>G (p.Ile2087Val)

Gene: AKAP9 (A-kinase anchoring protein 9; plus strand). Cytogenetic location: 7q21.2.
Variant type: single nucleotide variant.
Coding change: c.6259A>G on transcript NM_005751.5 (MANE Select); coding-DNA position 6259, A replaced by G.
Protein change: p.Ile2087Val; replaces isoleucine 2087 with valine.
Molecular consequence: missense variant.
Genome position (GRCh38, 1-based): chr7:92,066,475, A>G. VCF-style: chr7-92066475-A-G. GRCh37 (hg19) VCF-style: chr7-91695789-A-G.
Other names: c.6259A>G (NM_005751.4); c.904A>G, p.Ile302Val (NM_001379277.1); c.6259A>G, p.Ile2087Val (NM_147185.3); short protein forms I2087V, I302V.
Identifiers: ClinVar variation 1055349 (VCV001055349.11), dbSNP rs925619682, ClinGen allele CA161915765.

ClinVar aggregate classification (germline): Uncertain significance. Review status: criteria provided, multiple submitters, no conflicts (2 of 4 stars). 2 submissions from 2 submitters: Uncertain significance (2). Last evaluated 2025-11-06.

Conditions:
Long QT syndrome (LQTS). Identifiers: MedGen C0023976, MeSH D008133, MONDO:0002442. Disease mechanism: loss of function. Inheritance: Various modes of inheritance.
Cardiovascular phenotype. Identifiers: MedGen CN230736.

Allele frequency attached by ClinVar (database versions not stated): gnomAD exomes below 0.00001 and 0.00001; TOPMed below 0.00001; gnomAD 0.00001.
gnomAD v4.1: 5 of 1,613,406 alleles (0.00031%); highest among the groups gnomAD compares: Non-Finnish European, 0.00042%; no homozygotes.

Submissions (2):

Ambry Genetics
Classification: Uncertain significance for Cardiovascular phenotype. Last evaluated: 2025-11-06. Review status: criteria provided, single submitter. Criteria: Ambry Variant Classification Scheme 2023. Collection method: clinical testing. Allele origin: germline.

Labcorp Genetics (formerly Invitae), Labcorp
Classification: Uncertain significance for Long QT syndrome. Last evaluated: 2024-10-15. Review status: criteria provided, single submitter. Criteria: Invitae Variant Classification Sherloc (09022015). Collection method: clinical testing. Allele origin: germline.
Comment: This sequence change replaces isoleucine, which is neutral and non-polar, with valine, which is neutral and non-polar, at codon 2087 of the AKAP9 protein (p.Ile2087Val). This variant is present in population databases (no rsID available, gnomAD 0.002%). This variant has not been reported in the literature in individuals affected with AKAP9-related conditions. ClinVar contains an entry for this variant (Variation ID: 1055349). An algorithm developed to predict the effect of missense changes on protein structure and function (PolyPhen-2) suggests that this variant is likely to be disruptive. In summary, the available evidence is currently insufficient to determine the role of this variant in disease. Therefore, it has been classified as a Variant of Uncertain Significance.